The following is an entry in ClinVar:

ClinVar aggregate classification (germline): Likely benign (1 of 4 stars; one submission).

gnomAD v4.1: 21 of 1,604,082 alleles (0.0013%); highest among the groups gnomAD compares: South Asian, 0.0055%; no homozygotes.

Submission:

CeGaT Center for Human Genetics Tuebingen
Classification: Likely benign. Last evaluated: 2025-12-01. Review status: criteria provided, single submitter. Criteria: CeGaT Center For Human Genetics Tuebingen Variant Classification Criteria Version 2. Collection method: clinical testing. Allele origin: germline. Affected: yes. Observed: 1 variant allele.
Comment: KDM6B: BP4, BP7

NM_001348716.2(KDM6B):c.1068C>T (p.Pro356=)

Gene: KDM6B (lysine demethylase 6B; plus strand). Cytogenetic location: 17p13.1.
Variant type: single nucleotide variant.
Coding change: c.1068C>T on transcript NM_001348716.2 (MANE Select); coding-DNA position 1068, C replaced by T.
Protein change: p.Pro356=; no amino-acid change (proline 356 retained).
Molecular consequence: synonymous variant.
Genome position (GRCh38, 1-based): chr17:7,847,263, C>T. VCF-style: chr17-7847263-C-T. GRCh37 (hg19) VCF-style: chr17-7750581-C-T.
Other names: c.1068C>T, p.Pro356= (NM_001080424.2).
Identifiers: ClinVar variation 4681566 (VCV004681566.5).
Genomic context (GRCh38, chr17:7,847,263, plus strand): 5'-CCCAGGCCCCCGCCCCCCAGGAGCAGAGAGCCATGGCTGCCTGCCTGCCACCCGTCCCCC[C>T]GGAAGTGACCTTAGAGAGAGCAGAGTTCAGAGGTCGCGGATGGACTCCAGCGTTTCACCA-3'
Protein context (NP_001335645.1, residues 346-366): SHGCLPATRP[Pro356=]GSDLRESRVQ